The following is an entry in ClinVar:

NM_001034853.2(RPGR):c.517G>C (p.Gly173Arg)

Gene: RPGR (retinitis pigmentosa GTPase regulator; minus strand). Cytogenetic location: Xp11.4.
Variant type: single nucleotide variant.
Coding change: c.517G>C on transcript NM_001034853.2 (MANE Select); coding-DNA position 517, G replaced by C.
Protein change: p.Gly173Arg; replaces glycine 173 with arginine.
Molecular consequence: missense variant. On other transcripts: non-coding transcript variant (6).
Genome position (GRCh38, 1-based): chrX:38,317,418, C>G on the plus strand (G>C on the coding strand, the complement: RPGR is on the minus strand). VCF-style: chrX-38317418-C-G. GRCh37 (hg19) VCF-style: chrX-38176671-C-G.
Other names: NM_001034853.2(RPGR):c.517G>C; c.517G>C (NM_000328.2); c.517G>C, p.Gly173Arg (NM_000328.3, NM_001367245.1, NM_001367246.1 and 3 more transcripts); c.547G>C, p.Gly183Arg (NM_001367248.1); c.514G>C, p.Gly172Arg (NM_001367249.1); short protein forms G173R, G172R, G183R.
Identifiers: ClinVar variation 9916 (VCV000009916.5), dbSNP rs137852550, ClinGen allele CA120805.
Genomic context (GRCh38, chrX:38,317,418, plus strand): 5'-AGACAGGTTTCCCAATGGTCACTTGCTGAGGGACACAGACATTACTTACATTTTTTAAAC[C>G]AATTTGCCCTTCGGAATTGTCACCCCACATAAAAAGTCTTCCATCCTCTATAAAGAAAAA-3'
Protein context (NP_001030025.1, residues 163-183): MWGDNSEGQI[Gly173Arg]LKNVSNVCVP

ClinVar aggregate classification (germline): Likely pathogenic. Review status: reviewed by expert panel (3 of 4 stars). 3 submissions from 3 submitters: Likely pathogenic (1). 2 of the submissions do not count toward it. Last evaluated 2025-09-07.

Conditions:
RPGR-related retinopathy. Also called: RPGR retinopathy. Identifiers: MedGen CN305589, MONDO:0100437.
RETINITIS PIGMENTOSA, SINORESPIRATORY INFECTIONS, AND DEAFNESS.

Submissions (3):

ClinGen X-linked Inherited Retinal Disease Variant Curation Expert Panel, ClinGen
Classification: Likely pathogenic for RPGR-related retinopathy. Last evaluated: 2025-09-07. Review status: reviewed by expert panel. Criteria: ClinGen X LinkedIRD ACMG Specifications RPGR V1.0.0. Collection method: curation. Allele origin: germline. Inheritance: X-linked inheritance.
Comment: NM_001034853.2(RPGR):c.517G>C (p.Gly173Arg) is a missense variant encoding the substitution of glycine by arginine at amino acid 173. This variant is absent from gnomAD v4.1.0 (PM2_Supporting). At least one proband harboring this variant exhibits a phenotype including a family history consistent with X-linked inheritance (2 pts) showing a milder phenotype in female family members (1 pt), early-onset (1 pt), rod involvement greater than cone (1 pt), visual field constriction (0.5 pts), night blindness (0.5 pts), myopia (0.5 pts), and reduced visual acuity (0.5 pts), which together are specific for RPGR-related retinopathy (7 points, PMID: 14627685, PP4). The proband also showed systemic phenotypes including episodes of respiratory tract infections, recurrent ear infections, pan-sinusitis, and a mild high frequency hearing loss (PMID: 14627685). The variant has been reported to segregate with retinal dystrophy through at least 3 affected meioses from 1 family (PP1_Moderate; PMID: 14627685). The computational predictor REVEL gives a score of 0.972, which is above the ClinGen X-linked IRD VCEP threshold of >0.932 and predicts a damaging effect on RPGR function (PP3_Strong). The computational splicing predictor SpliceAI gives a delta score of 0.09 for donor gain, which is below the ClinGen X-linked IRD VCEP threshold of >0.2 and does not predict that the variant disrupts RPGR splicing. Exogenously expressed RPGR harboring the variant exhibits reduced interaction with RPGRIP1 and RAB8A in yeast-2-hybrid and pulldown experiments (PMID: 20631154, PMID: 23213406, PS3_Supporting). In summary, this variant is classified as likely pathogenic for RPGR-related retinopathy based on the ClinGen X-linked Inherited Retinal Disease Expert Panel Specifications to the ACMG/AMP Variant Interpretation Guidelines for RPGR Version 1.0.0; PM2_supporting, PP3_Strong, PS3_Supporting, PP1_Moderate, and PP4.

PreventionGenetics, part of Exact Sciences
Classification: Pathogenic. Last evaluated: 2016-08-25. Review status: criteria provided, single submitter. Criteria: ACMG Guidelines, 2015. Collection method: clinical testing. Allele origin: germline. Not counted in ClinVar's aggregate classification.

OMIM
Classification: Pathogenic for RETINITIS PIGMENTOSA, SINORESPIRATORY INFECTIONS, AND DEAFNESS. Last evaluated: 2003-11-01. Review status: no assertion criteria provided. Collection method: literature only. Allele origin: germline. Not counted in ClinVar's aggregate classification.

Literature cited by the submitters: PubMed 14627685 (cited by OMIM).